The following is an entry in ClinVar:

ClinVar aggregate classification (germline): Uncertain significance (1 of 4 stars; one submission).

Submission:

Labcorp Genetics (formerly Invitae), Labcorp
Classification: Uncertain significance. Last evaluated: 2025-08-25. Review status: criteria provided, single submitter. Criteria: Invitae Variant Classification Sherloc (09022015). Collection method: clinical testing. Allele origin: germline.
Comment: This sequence change replaces glycine, which is neutral and non-polar, with arginine, which is basic and polar, at codon 1007 of the DSG1 protein (p.Gly1007Arg). This variant is not present in population databases (gnomAD no frequency). This variant has not been reported in the literature in individuals affected with DSG1-related conditions. ClinVar contains an entry for this variant (Variation ID: 3701412). An algorithm developed to predict the effect of missense changes on protein structure and function (PolyPhen-2) suggests that this variant is likely to be disruptive. In summary, the available evidence is currently insufficient to determine the role of this variant in disease. Therefore, it has been classified as a Variant of Uncertain Significance.

NM_001942.4(DSG1):c.3019G>A (p.Gly1007Arg)

Genes: DSG1 (desmoglein 1; plus strand), DSG1-AS1 (DSG1 antisense RNA 1; minus strand). Cytogenetic location: 18q12.1.
Variant type: single nucleotide variant.
Coding change: c.3019G>A on transcript NM_001942.4 (MANE Select); coding-DNA position 3019, G replaced by A.
Protein change: p.Gly1007Arg; replaces glycine 1007 with arginine.
Molecular consequence: missense variant.
Genome position (GRCh38, 1-based): chr18:31,355,215, G>A. VCF-style: chr18-31355215-G-A. GRCh37 (hg19) VCF-style: chr18-28935178-G-A.
Other names: short protein forms G1007R.
Identifiers: ClinVar variation 3701412 (VCV003701412.2).